The following is an entry in ClinVar:

NM_000203.5(IDUA):c.590-1G>A

Gene: IDUA (alpha-L-iduronidase; plus strand). Cytogenetic location: 4p16.3.
Variant type: single nucleotide variant.
Coding change: c.590-1G>A on transcript NM_000203.5 (MANE Select); the canonical splice acceptor site of the intron before coding-DNA position 590, G replaced by A.
Molecular consequence: splice acceptor variant.
Genome position (GRCh38, 1-based): chr4:1,001,678, G>A. VCF-style: chr4-1001678-G-A. GRCh37 (hg19) VCF-style: chr4-995466-G-A.
Other names: c.194-1G>A (NM_001363576.1).
Identifiers: ClinVar variation 1451365 (VCV001451365.10), dbSNP rs1715084294, ClinGen allele CA355961851.

ClinVar aggregate classification (germline): Pathogenic. Review status: criteria provided, multiple submitters, no conflicts (2 of 4 stars). 2 submissions from 2 submitters: Pathogenic (2). Last evaluated 2021-05-07.

Conditions:
Mucopolysaccharidosis type 1. Also called: IDUA deficiency; MPS I; Mucopolysaccharidosis Type I. Identifiers: Orphanet 579, MedGen C0023786, MONDO:0001586.
Hurler syndrome. Also called: Severe MPS I (Hurler Syndrome); MUCOPOLYSACCHARIDOSIS TYPE IH; Gargoylism, Hurler Syndrome. Identifiers: Orphanet 93473, MedGen C0086795, MONDO:0011758, OMIM 607014.
Mucopolysaccharidosis, MPS-I-H/S. Also called: Mucopolysaccharidosis type IH/S. Identifiers: Orphanet 93476, MedGen C0086431, MONDO:0011759, OMIM 607015.
Mucopolysaccharidosis, MPS-I-S. Also called: MUCOPOLYSACCHARIDOSIS TYPE IS; Scheie Syndrome; MPS V; MUCOPOLYSACCHARIDOSIS TYPE V. Identifiers: Orphanet 93474, MedGen C0026708, MONDO:0011760, OMIM 607016.

Submissions (2):

Labcorp Genetics (formerly Invitae), Labcorp
Classification: Pathogenic for Mucopolysaccharidosis type 1. Last evaluated: 2021-05-07. Review status: criteria provided, single submitter. Criteria: Invitae Variant Classification Sherloc (09022015). Collection method: clinical testing. Allele origin: germline.
Comment: For these reasons, this variant has been classified as Pathogenic. Algorithms developed to predict the effect of sequence changes on RNA splicing suggest that this variant may disrupt the consensus splice site, but this prediction has not been confirmed by published transcriptional studies. This variant has been observed in individual(s) with mucopolysaccharidosis type I (PMID: 28728811). This variant is not present in population databases (ExAC no frequency). This sequence change affects an acceptor splice site in intron 5 of the IDUA gene. It is expected to disrupt RNA splicing. Variants that disrupt the donor or acceptor splice site typically lead to a loss of protein function (PMID: 16199547), and loss-of-function variants in IDUA are known to be pathogenic (PMID: 11735025, 21480867).

Juno Genomics, Hangzhou Juno Genomics, Inc
Classification: Pathogenic for Hurler syndrome; Mucopolysaccharidosis, MPS-I-H/S; Mucopolysaccharidosis, MPS-I-S. Review status: criteria provided, single submitter. Criteria: ACMG Guidelines, 2015. Collection method: clinical testing. Allele origin: germline.
Comment: Absent from controls (or at extremely low frequency if recessive) in Genome Aggregation Database.;Null variant in a gene where loss of function (LOF) is a known mechanism of disease.;For recessive disorders, detected in trans with a pathogenic variant.

Literature cited by the submitters: PubMed 28728811 (cited by Labcorp Genetics (formerly Invitae), Labcorp); PubMed 16199547 (cited by Labcorp Genetics (formerly Invitae), Labcorp); PubMed 11735025 (cited by Labcorp Genetics (formerly Invitae), Labcorp); PubMed 21480867 (cited by Labcorp Genetics (formerly Invitae), Labcorp).